The following is an entry in ClinVar:

NM_000629.3(IFNAR1):c.1321G>A (p.Val441Ile)

Gene: IFNAR1 (interferon alpha and beta receptor subunit 1; plus strand). Cytogenetic location: 21q22.11.
Variant type: single nucleotide variant.
Coding change: c.1321G>A on transcript NM_000629.3 (MANE Select); coding-DNA position 1321, G replaced by A.
Protein change: p.Val441Ile; replaces valine 441 with isoleucine.
Molecular consequence: missense variant. On other transcripts: intron variant (1).
Genome position (GRCh38, 1-based): chr21:33,353,664, G>A. VCF-style: chr21-33353664-G-A. GRCh37 (hg19) VCF-style: chr21-34725970-G-A.
Other names: c.1321G>A, p.Val441Ile (NM_001384498.1, NM_001384503.1); c.559G>A, p.Val187Ile (NM_001384500.1); c.1306G>A, p.Val436Ile (NM_001384501.1); c.859G>A, p.Val287Ile (NM_001384502.1); c.1114G>A, p.Val372Ile (NM_001384504.1); c.1294+756G>A (NM_001384499.1); short protein forms V372I, V287I, V436I, V187I, V441I.
Identifiers: ClinVar variation 1448971 (VCV001448971.8), dbSNP rs2123272537, ClinGen allele CA410110523.

ClinVar aggregate classification (germline): Uncertain significance (1 of 4 stars; one submission).

Submission:

Labcorp Genetics (formerly Invitae), Labcorp
Classification: Uncertain significance. Last evaluated: 2022-08-31. Review status: criteria provided, single submitter. Criteria: Invitae Variant Classification Sherloc (09022015). Collection method: clinical testing. Allele origin: germline.
Comment: In summary, the available evidence is currently insufficient to determine the role of this variant in disease. Therefore, it has been classified as a Variant of Uncertain Significance. Algorithms developed to predict the effect of missense changes on protein structure and function output the following: SIFT: "Tolerated"; PolyPhen-2: "Benign"; Align-GVGD: "Class C0". The isoleucine amino acid residue is found in multiple mammalian species, which suggests that this missense change does not adversely affect protein function. ClinVar contains an entry for this variant (Variation ID: 1448971). This variant has not been reported in the literature in individuals affected with IFNAR1-related conditions. This variant is not present in population databases (gnomAD no frequency). This sequence change replaces valine, which is neutral and non-polar, with isoleucine, which is neutral and non-polar, at codon 441 of the IFNAR1 protein (p.Val441Ile).